The following is an entry in ClinVar:

NM_020928.2(ZSWIM6):c.1816del (p.Met606fs)

Gene: ZSWIM6 (zinc finger SWIM-type containing 6; plus strand). Cytogenetic location: 5q12.1.
Variant type: Deletion.
Coding change: c.1816del on transcript NM_020928.2 (MANE Select); coding-DNA position 1816, one base deleted (A; older notation c.1816delA).
Protein change: p.Met606fs; shifts the reading frame from methionine 606.
Molecular consequence: frameshift variant.
Genome position (GRCh38, 1-based): chr5:61,526,375, A deleted; the last of 3 consecutive A bases (chr5:61,526,373-61,526,375); deleting any one gives the same sequence. VCF-style (leftmost placement, unchanged base first): chr5-61526372-GA-G. GRCh37 (hg19) VCF-style: chr5-60822199-GA-G.
Other names: short protein forms M606fs.
Identifiers: ClinVar variation 4082966 (VCV004082966.1).
Genomic context (GRCh38, chr5:61,526,372, plus strand): 5'-GCACTGAGACTAGCAATAGCTATTGTTAATACATTAAGACGACAGCAGCAGAAACAGTTG[GA>G]AATGTTCCGAACCCAAAAAAAAGGTGAATGTGAAGGAGTTTGTTTCCATTGGAATGGGAT-3'

ClinVar aggregate classification (germline): Uncertain significance (1 of 4 stars; one submission).

Submission:

GeneDx
Classification: Uncertain significance. Last evaluated: 2025-03-11. Review status: criteria provided, single submitter. Criteria: GeneDx Variant Classification Process June 2021. Collection method: clinical testing. Allele origin: germline. Affected: yes.
Comment: Not observed at significant frequency in large population cohorts (gnomAD); Frameshift variant predicted to result in protein truncation or nonsense mediated decay in a gene or region of a gene for which loss of function is not a well-established mechanism of disease; Has not been previously published as pathogenic or benign to our knowledge